The following is an entry in ClinVar:

ClinVar aggregate classification (germline): Uncertain significance (1 of 4 stars; one submission).

gnomAD v4.1: 4 of 1,611,962 alleles (0.00025%); highest among the groups gnomAD compares: Non-Finnish European, 0.00034%; no homozygotes.

Submission:

Labcorp Genetics (formerly Invitae), Labcorp
Classification: Uncertain significance. Last evaluated: 2024-08-19. Review status: criteria provided, single submitter. Criteria: Invitae Variant Classification Sherloc (09022015). Collection method: clinical testing. Allele origin: germline.
Comment: This sequence change replaces glycine, which is neutral and non-polar, with aspartic acid, which is acidic and polar, at codon 162 of the WNT3A protein (p.Gly162Asp). This variant is not present in population databases (gnomAD no frequency). This variant has not been reported in the literature in individuals affected with WNT3A-related conditions. Invitae Evidence Modeling of protein sequence and biophysical properties (such as structural, functional, and spatial information, amino acid conservation, physicochemical variation, residue mobility, and thermodynamic stability) indicates that this missense variant is expected to disrupt WNT3A protein function with a positive predictive value of 80%. In summary, the available evidence is currently insufficient to determine the role of this variant in disease. Therefore, it has been classified as a Variant of Uncertain Significance.

NM_033131.4(WNT3A):c.485G>A (p.Gly162Asp)

Gene: WNT3A (Wnt family member 3A; plus strand). Cytogenetic location: 1q42.13.
Variant type: single nucleotide variant.
Coding change: c.485G>A on transcript NM_033131.4 (MANE Select); coding-DNA position 485, G replaced by A.
Protein change: p.Gly162Asp; replaces glycine 162 with aspartic acid.
Molecular consequence: missense variant.
Genome position (GRCh38, 1-based): chr1:228,050,827, G>A. VCF-style: chr1-228050827-G-A. GRCh37 (hg19) VCF-style: chr1-228238528-G-A.
Other names: short protein forms G162D.
Identifiers: ClinVar variation 3617630 (VCV003617630.2).
Genomic context (GRCh38, chr1:228,050,827, plus strand): 5'-ACCAGGGCTCACCAGGCAAGGGCTGGAAGTGGGGTGGCTGTAGCGAGGACATCGAGTTTG[G>A]TGGGATGGTGTCTCGGGAGTTCGCCGACGCCCGGGAGAACCGGCCAGATGCCCGCTCAGC-3'
Protein context (NP_149122.1, residues 152-172): WGGCSEDIEF[Gly162Asp]GMVSREFADA